The following is an entry in ClinVar:

ClinVar aggregate classification (germline): Uncertain significance. Review status: criteria provided, multiple submitters, no conflicts (2 of 4 stars). 10 submissions from 10 submitters: Uncertain significance (9). 1 of the submissions does not count toward it. Last evaluated 2026-05-01.

Conditions:
Inborn genetic diseases. Identifiers: MedGen C0950123, MeSH D030342.
SLC12A3-related disorder. Also called: SLC12A3-related condition.
Familial hypokalemia-hypomagnesemia (GTLMNS). Also called: POTASSIUM AND MAGNESIUM DEPLETION; HYPOMAGNESEMIA-HYPOKALEMIA, PRIMARY RENOTUBULAR, WITH HYPOCALCIURIA; gitelman syndrome. Identifiers: Orphanet 358, MedGen C0268450, MONDO:0009904, OMIM 263800.

Allele frequency attached by ClinVar (database versions not stated): ESP Exome Variant Server 0.00008; gnomAD exomes 0.00015 and 0.00023; gnomAD 0.00019; ExAC 0.00021; TOPMed 0.00028.
gnomAD v4.1: 266 of 1,614,098 alleles (0.016%); highest among the groups gnomAD compares: Middle Eastern, 0.082%; no homozygotes.

Submissions (10):

CeGaT Center for Human Genetics Tuebingen
Classification: Uncertain significance. Last evaluated: 2026-05-01. Review status: criteria provided, single submitter. Criteria: CeGaT Center For Human Genetics Tuebingen Variant Classification Criteria Version 2. Collection method: clinical testing. Allele origin: germline. Affected: yes. Observed: 1 variant allele.
Comment: SLC12A3: PM2, PM3

Genomic Medicine Center of Excellence, King Faisal Specialist Hospital and Research Centre
Classification: Uncertain significance for Familial hypokalemia-hypomagnesemia. Last evaluated: 2024-09-22. Review status: criteria provided, single submitter. Criteria: ACMG Guidelines, 2015. Collection method: clinical testing. Allele origin: germline.

Fulgent Genetics
Classification: Uncertain significance for Familial hypokalemia-hypomagnesemia. Last evaluated: 2024-03-09. Review status: criteria provided, single submitter. Criteria: ACMG Guidelines, 2015. Collection method: clinical testing. Allele origin: germline.

Women's Health and Genetics/Laboratory Corporation of America, LabCorp
Classification: Uncertain significance. Last evaluated: 2023-09-01. Review status: criteria provided, single submitter. Criteria: LabCorp Variant Classification Summary - May 2015. Collection method: clinical testing. Allele origin: germline.
Comment: Variant summary: SLC12A3 c.1709C>T (p.Ala570Val) results in a non-conservative amino acid change located in the Amino acid permease/ SLC12A domain (IPR004841) of the encoded protein sequence. Four of five in-silico tools predict a damaging effect of the variant on protein function. The variant allele was found at a frequency of 0.00023 in 251196 control chromosomes (gnomAD). c.1709C>T has been reported in the literature in individuals affected with Familial Hypokalemia-Hypomagnesemia (Gitleman syndrome). One case was reported to have two other missense variants without a known phase (Yoo_2003), and two other cases were presumed compound heterozygous with other variants of unknown significance without parental testing reported (Fujimura_2019, Palazzo_2022). These data indicate that the variant may be associated with disease. To our knowledge, no experimental evidence demonstrating an impact on protein function has been reported. The following publications have been ascertained in the context of this evaluation (PMID: 30596175, 14655226, 35628451). Three submitters have cited clinical-significance assessments for this variant to ClinVar after 2014. All submitters classified the variant as uncertain significance. Based on the evidence outlined above, the variant was classified as VUS-possibly pathogenic.

Labcorp Genetics (formerly Invitae), Labcorp
Classification: Uncertain significance. Last evaluated: 2022-10-17. Review status: criteria provided, single submitter. Criteria: Invitae Variant Classification Sherloc (09022015). Collection method: clinical testing. Allele origin: germline.
Comment: This sequence change replaces alanine, which is neutral and non-polar, with valine, which is neutral and non-polar, at codon 570 of the SLC12A3 protein (p.Ala570Val). This variant is present in population databases (rs201130736, gnomAD 0.3%). This missense change has been observed in individual(s) with Gitelman syndrome (PMID: 14655226). ClinVar contains an entry for this variant (Variation ID: 886416). Advanced modeling of protein sequence and biophysical properties (such as structural, functional, and spatial information, amino acid conservation, physicochemical variation, residue mobility, and thermodynamic stability) performed at Invitae indicates that this missense variant is expected to disrupt SLC12A3 protein function. In summary, the available evidence is currently insufficient to determine the role of this variant in disease. Therefore, it has been classified as a Variant of Uncertain Significance.

Ambry Genetics
Classification: Uncertain significance for Inborn genetic diseases. Last evaluated: 2022-03-02. Review status: criteria provided, single submitter. Criteria: Ambry Variant Classification Scheme 2023. Collection method: clinical testing. Allele origin: germline.

Illumina Laboratory Services, Illumina
Classification: Uncertain significance for Familial hypokalemia-hypomagnesemia. Last evaluated: 2017-04-27. Review status: criteria provided, single submitter. Criteria: ICSL Variant Classification Criteria 13 December 2019. Collection method: clinical testing. Allele origin: germline.
Comment: This variant was observed as part of a predisposition screen in an ostensibly healthy population. A literature search was performed for the gene, cDNA change, and amino acid change (where applicable). Publications were found based on this search. However, the evidence from the literature, in combination with allele frequency data from public databases where available, was not sufficient to rule this variant in or out of causing disease. Therefore, this variant is classified as a variant of unknown significance.

Breakthrough Genomics
Classification: Uncertain significance. Review status: criteria provided, single submitter. Criteria: ACMG Guidelines, 2015. Collection method: not provided. Allele origin: germline. Inheritance: Autosomal recessive inheritance. Affected: yes.

Juno Genomics, Hangzhou Juno Genomics, Inc
Classification: Uncertain significance for Familial hypokalemia-hypomagnesemia. Review status: criteria provided, single submitter. Criteria: ACMG Guidelines, 2015. Collection method: clinical testing. Allele origin: germline.
Comment: Multiple lines of computational evidence support a deleterious effect on the gene or gene product.;For recessive disorders, detected in trans with a pathogenic variant.;Patient's phenotype or family history is highly specific for a disease with a single genetic etiology.

PreventionGenetics, part of Exact Sciences
Classification: Uncertain significance for SLC12A3-related condition. Last evaluated: 2024-01-05. Review status: no assertion criteria provided. Collection method: clinical testing. Allele origin: germline. Not counted in ClinVar's aggregate classification.
Comment: The SLC12A3 c.1709C>T variant is predicted to result in the amino acid substitution p.Ala570Val. This variant has been reported in individuals with Gitelman syndrome; however, pathogenicity was not established (Yoo et al. 2003. PubMed ID: 14655226; Table S1, Fujimura et al. 2019. PubMed ID: 30596175; Table S3, Palazzo et al. 2022. PubMed ID: 35628451). This variant is reported in 0.27% of alleles in individuals of Ashkenazi Jewish descent in gnomAD. At this time, the clinical significance of this variant is uncertain due to the absence of conclusive functional and genetic evidence.

Literature cited by the submitters: PubMed 30596175 (cited by Women's Health and Genetics/Laboratory Corporation of America, LabCorp and Ambry Genetics); PubMed 35628451 (cited by Women's Health and Genetics/Laboratory Corporation of America, LabCorp); PubMed 14655226 (cited by 4 submitters).

NM_001126108.2(SLC12A3):c.1709C>T (p.Ala570Val)

Gene: SLC12A3 (solute carrier family 12 member 3; plus strand). Cytogenetic location: 16q13.
Variant type: single nucleotide variant.
Coding change: c.1709C>T on transcript NM_001126108.2 (MANE Select); coding-DNA position 1709, C replaced by T.
Protein change: p.Ala570Val; replaces alanine 570 with valine.
Molecular consequence: missense variant.
Genome position (GRCh38, 1-based): chr16:56,884,088, C>T. VCF-style: chr16-56884088-C-T. GRCh37 (hg19) VCF-style: chr16-56918000-C-T.
Other names: c.1709C>T, p.Ala570Val (NM_000339.3); c.1706C>T, p.Ala569Val (NM_001126107.2); short protein forms A569V, A570V.
Identifiers: ClinVar variation 886416 (VCV000886416.15), dbSNP rs201130736, ClinGen allele CA8069584.